The following is an entry in ClinVar:

ClinVar aggregate classification (germline): Conflicting classifications of pathogenicity. Review status: criteria provided, conflicting classifications (1 of 4 stars). 11 submissions from 11 submitters: Uncertain significance (1); Benign (2); Likely benign (6). 2 of the submissions do not count toward it. Last evaluated 2026-01-19.

Conditions:
Autosomal dominant polycystic liver disease. Also called: Congenital cystic disease of liver; Polycystic liver disease. Identifiers: Orphanet 2924, MedGen C0158683, MONDO:0000447, HP:0006557.
Monogenic diabetes. Identifiers: Orphanet 183625, MedGen C3888631, MONDO:0015967.
Renal cysts and diabetes syndrome (RCAD). Also called: Familial hypoplastic, glomerulocystic kidney; MATURITY-ONSET DIABETES OF THE YOUNG, TYPE 5. Identifiers: Orphanet 93111, MedGen C0431693, MONDO:0007669, OMIM 137920.
Maturity-onset diabetes of the young (MODY). Also called: Maturity onset diabetes mellitus in young. Identifiers: Orphanet 552, MedGen C0342276, MONDO:0018911, HP:0004904.

Allele frequency attached by ClinVar (database versions not stated): gnomAD exomes 0.00033; TOPMed 0.00038; gnomAD 0.00044; ESP Exome Variant Server 0.00046; ExAC 0.00056.
gnomAD v4.1: 561 of 1,613,242 alleles (0.035%); highest among the groups gnomAD compares: Non-Finnish European, 0.034%; 1 homozygote.

Submissions (11):

Labcorp Genetics (formerly Invitae), Labcorp
Classification: Benign. Last evaluated: 2026-01-19. Review status: criteria provided, single submitter. Criteria: Invitae Variant Classification Sherloc (09022015). Collection method: clinical testing. Allele origin: germline.

CeGaT Center for Human Genetics Tuebingen
Classification: Likely benign. Last evaluated: 2025-09-01. Review status: criteria provided, single submitter. Criteria: CeGaT Center For Human Genetics Tuebingen Variant Classification Criteria Version 2. Collection method: clinical testing. Allele origin: germline. Affected: yes. Observed: 4 variant alleles.
Comment: HNF1B: BS2

Blueprint Genetics
Classification: Likely benign. Last evaluated: 2024-11-01. Review status: criteria provided, single submitter. Criteria: ACMG Guidelines, 2015. Collection method: clinical testing. Allele origin: germline.

Ambry Genetics
Classification: Likely benign for Maturity-onset diabetes of the young. Last evaluated: 2023-12-01. Review status: criteria provided, single submitter. Criteria: Ambry Variant Classification Scheme 2023. Collection method: clinical testing. Allele origin: germline.

Institute of Human Genetics, FAU Erlangen, Friedrich-Alexander-Universität Erlangen-Nürnberg
Classification: Uncertain significance for Renal cysts and diabetes syndrome. Last evaluated: 2019-07-06. Review status: criteria provided, single submitter. Criteria: ACMG Guidelines, 2015. Collection method: literature only. Allele origin: germline. Affected: yes.
Comment: This variant and it's classification has been reported by Vasileiou et al. 2019; DOI:10.1101/576918. The variants has previously been reported in PMID:25700310; PMID:15930087; PMID:18065799; PMID:30259503; PMID:25536396; PMID:20633866; PMID:16249435 as "c.182T>G, c.376T>G; c.182T>G p.Val61Gly; c.182T>G; V61G/N p.Val61Gly" with clinical significance Pathogenic. It has been re-classified using InterVar and manual curation as Uncertain significance based on PM1 PP3 PP5 BP6.

Personalized Diabetes Medicine Program, University of Maryland School of Medicine
Classification: Likely benign for Monogenic diabetes. Last evaluated: 2019-02-15. Review status: criteria provided, single submitter. Criteria: ACMG Guidelines, 2015. Collection method: research. Allele origin: unknown. Observed: 1 variant allele, 1 heterozygote.
Comment: ACMG criteria: PP3 (7 predictors), BP4 (2 predictors), BS2 (6 controls and 11 cases in T2DM and 2 homozygotes in ExAC) NOTE: GeneDx calls likely benign=Likely Benign

Illumina Laboratory Services, Illumina
Classification: Benign for Renal cysts and diabetes syndrome. Last evaluated: 2017-04-28. Review status: criteria provided, single submitter. Criteria: ICSL Variant Classification Criteria 13 December 2019. Collection method: clinical testing. Allele origin: germline.
Comment: This variant was observed as part of a predisposition screen in an ostensibly healthy population. A literature search was performed for the gene, cDNA change, and amino acid change (where applicable). Publications were found based on this search. The evidence from the literature, in combination with allele frequency data from public databases where available, was sufficient to rule this variant out of causing disease. Therefore, this variant is classified as benign.

Eurofins Ntd Llc (ga)
Classification: Likely benign. Last evaluated: 2016-12-22. Review status: criteria provided, single submitter. Criteria: EGL Classification Definitions 2015. Collection method: clinical testing. Allele origin: germline. Observed: 1 variant allele, 1 heterozygote.

GeneDx
Classification: Likely benign. Last evaluated: 2016-03-04. Review status: criteria provided, single submitter. Criteria: GeneDx Variant Classification (06012015). Collection method: clinical testing. Allele origin: germline. Affected: yes.
Comment: This variant is considered likely benign or benign based on one or more of the following criteria: it is a conservative change, it occurs at a poorly conserved position in the protein, it is predicted to be benign by multiple in silico algorithms, and/or has population frequency not consistent with disease.

Genetic Services Laboratory, University of Chicago
Classification: Likely benign. Last evaluated: 2022-09-07. Review status: no assertion criteria provided. Collection method: clinical testing. Allele origin: germline. Affected: no. Not counted in ClinVar's aggregate classification.

Laboratory of Gastroenterology and Hepatology, Radboud University Medical Center
Classification: Likely benign for Autosomal dominant polycystic liver disease. Last evaluated: 2021-09-01. Review status: no assertion criteria provided. Collection method: research. Allele origin: germline. Affected: yes. Not counted in ClinVar's aggregate classification.

Literature cited by the submitters: PubMed 25700310 (cited by Institute of Human Genetics, FAU Erlangen, Friedrich-Alexander-Universität Erlangen-Nürnberg); PubMed 15930087 (cited by Institute of Human Genetics, FAU Erlangen, Friedrich-Alexander-Universität Erlangen-Nürnberg and Illumina Laboratory Services, Illumina); PubMed 18065799 (cited by Institute of Human Genetics, FAU Erlangen, Friedrich-Alexander-Universität Erlangen-Nürnberg); PubMed 30259503 (cited by Institute of Human Genetics, FAU Erlangen, Friedrich-Alexander-Universität Erlangen-Nürnberg); PubMed 25536396 (cited by Institute of Human Genetics, FAU Erlangen, Friedrich-Alexander-Universität Erlangen-Nürnberg); PubMed 20633866 (cited by Institute of Human Genetics, FAU Erlangen, Friedrich-Alexander-Universität Erlangen-Nürnberg and Illumina Laboratory Services, Illumina); PubMed 16249435 (cited by Institute of Human Genetics, FAU Erlangen, Friedrich-Alexander-Universität Erlangen-Nürnberg); DOI 10.1101/576918 (cited by Institute of Human Genetics, FAU Erlangen, Friedrich-Alexander-Universität Erlangen-Nürnberg); PubMed 24429398 (cited by Illumina Laboratory Services, Illumina); PubMed 24041679 (cited by Illumina Laboratory Services, Illumina); PubMed 24097065 (cited by Illumina Laboratory Services, Illumina); PubMed 22114815 (cited by Illumina Laboratory Services, Illumina); PubMed 21775974 (cited by Illumina Laboratory Services, Illumina).

NM_000458.4(HNF1B):c.182T>G (p.Val61Gly)

Gene: HNF1B (HNF1 homeobox B; minus strand). Cytogenetic location: 17q12.
Variant type: single nucleotide variant.
Coding change: c.182T>G on transcript NM_000458.4 (MANE Select); coding-DNA position 182, T replaced by G.
Protein change: p.Val61Gly; replaces valine 61 with glycine.
Molecular consequence: missense variant.
Genome position (GRCh38, 1-based): chr17:37,744,703, A>C on the plus strand (T>G on the coding strand, the complement: HNF1B is on the minus strand). VCF-style: chr17-37744703-A-C. GRCh37 (hg19) VCF-style: chr17-36104694-A-C.
Other names: c.182T>G, p.Val61Gly (NM_001165923.4, NM_001304286.2); short protein forms V61G.
Identifiers: ClinVar variation 381601 (VCV000381601.70), dbSNP rs147816724, ClinGen allele CA8519137.